The following is an entry in ClinVar:

ClinVar aggregate classification (germline): Pathogenic. Review status: criteria provided, multiple submitters, no conflicts (2 of 4 stars). 2 submissions from 2 submitters: Pathogenic (2). Last evaluated 2023-05-22.

Conditions:
Ataxia-telangiectasia syndrome (AT). Also called: Ataxia-telangiectasia, complementation group D; Cerebello-oculocutaneous telangiectasia; Immunodeficiency with ataxia telangiectasia; LOUIS-BAR SYNDROME; Ataxia-telangiectasia; AT, COMPLEMENTATION GROUP C. Identifiers: Orphanet 100, MedGen C0004135, MONDO:0008840, OMIM 208900.
Hereditary cancer-predisposing syndrome. Also called: Tumor predisposition; Hereditary neoplastic syndrome; Neoplastic Syndromes, Hereditary; Hereditary Cancer Syndrome. Identifiers: Orphanet 140162, MedGen C0027672, MeSH D009386, MONDO:0015356.

Submissions (2):

Labcorp Genetics (formerly Invitae), Labcorp
Classification: Pathogenic for Ataxia-telangiectasia syndrome. Last evaluated: 2023-05-22. Review status: criteria provided, single submitter. Criteria: Invitae Variant Classification Sherloc (09022015). Collection method: clinical testing. Allele origin: germline.
Comment: For these reasons, this variant has been classified as Pathogenic. ClinVar contains an entry for this variant (Variation ID: 933605). This variant has not been reported in the literature in individuals affected with ATM-related conditions. This variant is not present in population databases (gnomAD no frequency). This sequence change creates a premature translational stop signal (p.Leu1224*) in the ATM gene. It is expected to result in an absent or disrupted protein product. Loss-of-function variants in ATM are known to be pathogenic (PMID: 23807571, 25614872).

Ambry Genetics
Classification: Pathogenic for Hereditary cancer-predisposing syndrome. Last evaluated: 2023-05-16. Review status: criteria provided, single submitter. Criteria: Ambry Variant Classification Scheme 2023. Collection method: clinical testing. Allele origin: germline.
Comment: The c.3669_3670insTAG pathogenic mutation (also known as p.L1224*), located in coding exon 24 of the ATM gene, results from an in-frame TAG insertion at nucleotide positions 3669 to 3670. This changes the amino acid from a leucine to a stop codon within coding exon 24. In addition to the clinical data presented in the literature, this alteration is expected to result in loss of function by premature protein truncation or nonsense-mediatedmRNAdecay. As such, this alteration is interpreted as a disease-causing mutation.

Literature cited by the submitters: PubMed 23807571 (cited by Labcorp Genetics (formerly Invitae), Labcorp); PubMed 25614872 (cited by Labcorp Genetics (formerly Invitae), Labcorp); PubMed 32012241 (cited by Ambry Genetics).

NM_000051.4(ATM):c.3669_3670insTAG (p.Leu1224Ter)

Gene: ATM (ATM serine/threonine kinase; plus strand). Cytogenetic location: 11q22.3.
Variant type: Insertion.
Coding change: c.3669_3670insTAG on transcript NM_000051.4 (MANE Select); coding-DNA positions 3669 to 3670, TAG inserted.
Protein change: p.Leu1224Ter; replaces leucine 1224 with a stop codon.
Molecular consequence: nonsense.
Genome position: GRCh38 VCF-style: chr11-108282802-T-TTAG. GRCh37 (hg19) VCF-style: chr11-108153529-T-TTAG.
Other names: c.3669_3670insTAG, p.Leu1224Ter (NM_001351834.2); short protein forms L1224*.
Identifiers: ClinVar variation 933605 (VCV000933605.9), dbSNP rs2082301397, ClinGen allele CA1139662228.